The following is an entry in ClinVar:

NM_144499.3(GNAT1):c.401C>G (p.Ala134Gly)

Gene: GNAT1 (G protein subunit alpha transducin 1; plus strand). Cytogenetic location: 3p21.31.
Variant type: single nucleotide variant.
Coding change: c.401C>G on transcript NM_144499.3 (MANE Select); coding-DNA position 401, C replaced by G.
Protein change: p.Ala134Gly; replaces alanine 134 with glycine.
Molecular consequence: missense variant.
Genome position (GRCh38, 1-based): chr3:50,193,615, C>G. VCF-style: chr3-50193615-C-G. GRCh37 (hg19) VCF-style: chr3-50231048-C-G.
Other names: c.401C>G, p.Ala134Gly (NM_000172.4); short protein forms A134G.
Identifiers: ClinVar variation 1005008 (VCV001005008.5), dbSNP rs1699452379, ClinGen allele CA352915318.

ClinVar aggregate classification (germline): Uncertain significance (1 of 4 stars; one submission).

Submission:

Labcorp Genetics (formerly Invitae), Labcorp
Classification: Uncertain significance. Last evaluated: 2020-07-29. Review status: criteria provided, single submitter. Criteria: Invitae Variant Classification Sherloc (09022015). Collection method: clinical testing. Allele origin: germline.
Comment: Algorithms developed to predict the effect of missense changes on protein structure and function (SIFT, PolyPhen-2, Align-GVGD) all suggest that this variant is likely to be tolerated, but these predictions have not been confirmed by published functional studies and their clinical significance is uncertain. This variant has not been reported in the literature in individuals with GNAT1-related conditions. This variant is not present in population databases (ExAC no frequency). This sequence change replaces alanine with glycine at codon 134 of the GNAT1 protein (p.Ala134Gly). The alanine residue is highly conserved and there is a small physicochemical difference between alanine and glycine. In summary, the available evidence is currently insufficient to determine the role of this variant in disease. Therefore, it has been classified as a Variant of Uncertain Significance.